The following is an entry in ClinVar:

ClinVar aggregate classification (germline): Likely benign (0 of 4 stars; one submission).

Conditions:
GNAS-related disorder. Identifiers: MedGen CN380105.

gnomAD v4.1: 18 of 1,610,672 alleles (0.0011%); highest among the groups gnomAD compares: South Asian, 0.0044%; no homozygotes.

Submission:

PreventionGenetics, part of Exact Sciences
Classification: Likely benign for GNAS-related condition. Last evaluated: 2024-08-19. Review status: no assertion criteria provided. Collection method: clinical testing. Allele origin: germline.
Comment: This variant is classified as likely benign based on ACMG/AMP sequence variant interpretation guidelines (Richards et al. 2015 PMID: 25741868, with internal and published modifications).

NM_080425.4(GNAS):c.183C>T (p.Val61=)

Gene: GNAS (GNAS complex locus; plus strand). Cytogenetic location: 20q13.32.
Variant type: single nucleotide variant.
Coding change: c.183C>T on transcript NM_080425.4 (MANE Plus Clinical); coding-DNA position 183, C replaced by T.
Protein change: p.Val61=; no amino-acid change (valine 61 retained).
Molecular consequence: synonymous variant. On other transcripts: 5 prime UTR variant (2), intron variant (3).
Genome position (GRCh38, 1-based): chr20:58,853,448, C>T. VCF-style: chr20-58853448-C-T. GRCh37 (hg19) VCF-style: chr20-57428503-C-T.
Other names: c.-5C>T (NM_001077490.3, NM_001309883.1); c.183C>T, p.Val61= (NM_001410913.1); c.*42+12562C>T (NM_016592.5); c.43+12562C>T (NM_001410912.1); c.-39+11573C>T (NM_001309861.2).
Identifiers: ClinVar variation 3352772 (VCV003352772.1).